The following is an entry in ClinVar:

NC_012920.1(MT-CO3):m.9484T>C

Gene: MT-CO3 (mitochondrially encoded cytochrome c oxidase III; plus strand).
Variant type: single nucleotide variant.
Genome position: chrM-9484-T-C.
Identifiers: ClinVar variation 693174 (VCV000693174.1), dbSNP rs1603222342, ClinGen allele CA414803044.

ClinVar aggregate classification (germline): Uncertain significance (1 of 4 stars; one submission).

Conditions:
Leigh syndrome (NULS). Also called: Leigh's necrotizing encephalopathy; Leigh's disease; Leigh Syndrome (mtDNA deletion); Leigh Disease; Subacute necrotizing encephalopathy; Necrotizing encephalopathy infantile subacute of Leigh. Identifiers: Orphanet 506, MedGen C2931891, MONDO:0009723, OMIM 256000.

Submission:

Wong Mito Lab, Molecular and Human Genetics, Baylor College of Medicine
Classification: Uncertain significance for Leigh syndrome. Last evaluated: 2019-10-17. Review status: criteria provided, single submitter. Criteria: Modified ACMG Guidelines (Unpublished). Collection method: clinical testing. Allele origin: germline.
Comment: The NC_012920.1:m.9484T>C (YP_003024032.1:p.Phe93Ser) variant in MTCO3 gene is interpretated to be a Uncertain Significance variant based on the modified ACMG guidelines (unpublished). This variant meets the following evidence codes: PP7